The following is an entry in ClinVar:

NM_001352027.3(PHF21A):c.911_912delinsAA (p.Leu304Gln)

Gene: PHF21A (PHD finger protein 21A; minus strand). Cytogenetic location: 11p11.2.
Variant type: Indel.
Coding change: c.911_912delinsAA on transcript NM_001352027.3 (MANE Select); coding-DNA positions 911 to 912, TC replaced by AA.
Protein change: p.Leu304Gln; replaces leucine 304 with glutamine.
Molecular consequence: missense variant. On other transcripts: non-coding transcript variant (2).
Genome position (GRCh38, 1-based): chr11:45,965,399-45,965,400, GA replaced by TT on the plus strand (TC replaced by AA on the coding strand, the reverse complement: PHF21A is on the minus strand). VCF-style: chr11-45965399-GA-TT. GRCh37 (hg19) VCF-style: chr11-45986950-GA-TT.
Other names: c.908_909delinsAA, p.Leu303Gln (NM_001101802.3, NM_001352030.3, NM_001352031.3 and 1 more transcripts); c.911_912delinsAA, p.Leu304Gln (NM_001352025.3, NM_001352026.3, NM_001352028.1 and 2 more transcripts); short protein forms L303Q, L304Q.
Identifiers: ClinVar variation 1810552 (VCV001810552.1), dbSNP rs2497629195, ClinGen allele CA2580084115.

ClinVar aggregate classification (germline): Uncertain significance (1 of 4 stars; one submission).

Submission:

GeneDx
Classification: Uncertain significance. Last evaluated: 2022-07-06. Review status: criteria provided, single submitter. Criteria: GeneDx Variant Classification Process June 2021. Collection method: clinical testing. Allele origin: germline. Affected: yes.
Comment: Not observed at significant frequency in large population cohorts (gnomAD); In silico analysis supports that this variant does not alter protein structure/function; Has not been previously published as pathogenic or benign to our knowledge